The following is an entry in ClinVar:

NM_001039141.3(TRIOBP):c.3073C>T (p.Arg1025Ter)

Gene: TRIOBP (TRIO and F-actin binding protein; plus strand). Cytogenetic location: 22q13.1.
Variant type: single nucleotide variant.
Coding change: c.3073C>T on transcript NM_001039141.3 (MANE Select); coding-DNA position 3073, C replaced by T.
Protein change: p.Arg1025Ter; replaces arginine 1025 with a stop codon.
Molecular consequence: nonsense.
Genome position (GRCh38, 1-based): chr22:37,725,629, C>T. VCF-style: chr22-37725629-C-T. GRCh37 (hg19) VCF-style: chr22-38121636-C-T.
Other names: short protein forms R1025*.
Identifiers: ClinVar variation 930753 (VCV000930753.15), dbSNP rs776962899, ClinGen allele CA10224020.

ClinVar aggregate classification (germline): Pathogenic/Likely pathogenic. Review status: criteria provided, multiple submitters, no conflicts (2 of 4 stars). 6 submissions from 6 submitters: Pathogenic (3); Likely pathogenic (3). Last evaluated 2026-02-12.

Conditions:
Autosomal recessive nonsyndromic hearing loss 28. Identifiers: Orphanet 90636, MedGen C1853276, MONDO:0012355, OMIM 609823.

Allele frequency attached by ClinVar (database versions not stated): gnomAD exomes 0.00001 and 0.00003; ExAC 0.00004; gnomAD 0.00005 and 0.00006; TOPMed 0.00005.
gnomAD v4.1: 23 of 1,610,466 alleles (0.0014%); highest among the groups gnomAD compares: African/African-American, 0.015%; no homozygotes.

Submissions (6):

Institute of Human Genetics, FAU Erlangen, Friedrich-Alexander-Universität Erlangen-Nürnberg
Classification: Pathogenic for Autosomal recessive nonsyndromic hearing loss 28. Last evaluated: 2026-02-12. Review status: criteria provided, single submitter. Criteria: Hauer et al. (Genet Med. 2018). Collection method: clinical testing. Allele origin: germline. Inheritance: Autosomal recessive inheritance. Affected: yes. Observed: 2 variant alleles.
Comment: This variant has been identified by standard clinical testing. PM2-supporting, PVS1-very strong, PP5-strong Selected ACMG criteria: Pathogenic (I):PP5;PM2;PVS1

Labcorp Genetics (formerly Invitae), Labcorp
Classification: Pathogenic. Last evaluated: 2022-07-05. Review status: criteria provided, single submitter. Criteria: Invitae Variant Classification Sherloc (09022015). Collection method: clinical testing. Allele origin: germline.
Comment: For these reasons, this variant has been classified as Pathogenic. ClinVar contains an entry for this variant (Variation ID: 930753). This variant has not been reported in the literature in individuals affected with TRIOBP-related conditions. This variant is present in population databases (rs776962899, gnomAD 0.02%). This sequence change creates a premature translational stop signal (p.Arg1025*) in the TRIOBP gene. It is expected to result in an absent or disrupted protein product. Loss-of-function variants in TRIOBP are known to be pathogenic (PMID: 16385457, 16385458, 20510926).

GeneDx
Classification: Likely pathogenic. Last evaluated: 2021-05-17. Review status: criteria provided, single submitter. Criteria: GeneDx Variant Classification Process June 2021. Collection method: clinical testing. Allele origin: germline. Affected: yes.
Comment: Nonsense variant predicted to result in protein truncation or nonsense mediated decay in a gene for which loss-of-function is a known mechanism of disease; Has not been previously published as pathogenic or benign to our knowledge

Centre for Mendelian Genomics, University Medical Centre Ljubljana
Classification: Likely pathogenic for Autosomal recessive nonsyndromic hearing loss 28. Last evaluated: 2019-08-14. Review status: criteria provided, single submitter. Criteria: ACMG Guidelines, 2015. Collection method: clinical testing. Allele origin: unknown. Affected: yes.
Comment: This variant was classified as: Likely pathogenic. The following ACMG criteria were applied in classifying this variant: PVS1,PM2.

Juno Genomics, Hangzhou Juno Genomics, Inc
Classification: Likely pathogenic for Autosomal recessive nonsyndromic hearing loss 28. Review status: criteria provided, single submitter. Criteria: ACMG Guidelines, 2015. Collection method: clinical testing. Allele origin: germline.
Comment: Absent from controls (or at extremely low frequency if recessive) in Genome Aggregation Database.;Null variant in a gene where loss of function (LOF) is a known mechanism of disease.

Pars Genome Lab
Classification: Pathogenic for Autosomal recessive nonsyndromic hearing loss 28. Review status: criteria provided, single submitter. Criteria: ACMG Guidelines, 2015. Collection method: clinical testing. Allele origin: germline. Inheritance: Autosomal recessive inheritance. Affected: yes.

Literature cited by the submitters: PubMed 16385457 (cited by Labcorp Genetics (formerly Invitae), Labcorp); PubMed 16385458 (cited by Labcorp Genetics (formerly Invitae), Labcorp); PubMed 20510926 (cited by Labcorp Genetics (formerly Invitae), Labcorp).